The following is an entry in ClinVar:

NM_006516.4(SLC2A1):c.109dup (p.Gln37fs)

Gene: SLC2A1 (solute carrier family 2 member 1; minus strand). Cytogenetic location: 1p34.2.
Variant type: Duplication.
Coding change: c.109dup on transcript NM_006516.4 (MANE Select); coding-DNA position 109, one base duplicated (C; older notation c.109dupC).
Protein change: p.Gln37fs; shifts the reading frame from glutamine 37.
Molecular consequence: frameshift variant.
Genome position (GRCh38, 1-based): chr1:42,943,231, G duplicated on the plus strand (C on the coding strand, the reverse complement: SLC2A1 is on the minus strand); the first of 6 consecutive G bases (chr1:42,943,231-42,943,236); duplicating any one gives the same sequence. VCF-style (leftmost placement, unchanged base first): chr1-42943230-T-TG. GRCh37 (hg19) VCF-style: chr1-43408901-T-TG.
Other names: short protein forms Q37fs.
Identifiers: ClinVar variation 2443523 (VCV002443523.1), dbSNP rs35878954, ClinGen allele CA21260031.

ClinVar aggregate classification (germline): Pathogenic (1 of 4 stars; one submission).

Submission:

GeneDx
Classification: Pathogenic. Last evaluated: 2022-09-09. Review status: criteria provided, single submitter. Criteria: GeneDx Variant Classification Process June 2021. Collection method: clinical testing. Allele origin: germline. Affected: yes.
Comment: Frameshift variant predicted to result in protein truncation or nonsense mediated decay in a gene for which loss of function is a known mechanism of disease; Not observed at significant frequency in large population cohorts (gnomAD); This variant is associated with the following publications: (PMID: 30937099)